The following is an entry in ClinVar:

ClinVar aggregate classification (germline): Uncertain significance. Review status: criteria provided, single submitter (1 of 4 stars). 2 submissions from 2 submitters: Uncertain significance (1). 1 of the submissions does not count toward it. Last evaluated 2021-12-27.

Conditions:
Lynch syndrome 4 (LYNCH4). Also called: Colorectal cancer, hereditary nonpolyposis, type 4; Hereditary non-polyposis colorectal cancer, type 4. Identifiers: Orphanet 144, MedGen C1838333, MONDO:0013699, OMIM 614337. Disease mechanism: loss of function.

Submissions (2):

MGZ Medical Genetics Center
Classification: Uncertain significance for Lynch syndrome 4. Last evaluated: 2021-12-27. Review status: criteria provided, single submitter. Criteria: ACMG Guidelines, 2015. Collection method: clinical testing. Allele origin: germline. Affected: yes. Observed: 1 variant allele.
Comment: ACMG criteria applied: PM2_SUP, BP4

ITMI
No classification provided. Condition: AllHighlyPenetrant. Last evaluated: 2013-09-19. Review status: no classification provided. Collection method: reference population. Allele origin: germline. Not counted in ClinVar's aggregate classification.
Comment: Please see associated publication for description of ethnicities

Literature cited by the submitters: PubMed 24728327 (cited by ITMI).

NM_000535.7(PMS2):c.1267G>A (p.Ala423Thr)

Gene: PMS2 (PMS1 homolog 2, mismatch repair system component; minus strand). Cytogenetic location: 7p22.1.
Variant type: single nucleotide variant.
Coding change: c.1267G>A on transcript NM_000535.7 (MANE Select); coding-DNA position 1267, G replaced by A.
Protein change: p.Ala423Thr; replaces alanine 423 with threonine.
Molecular consequence: missense variant. On other transcripts: non-coding transcript variant (1).
Genome position (GRCh38, 1-based): chr7:5,987,498, C>T on the plus strand (G>A on the coding strand, the complement: PMS2 is on the minus strand). VCF-style: chr7-5987498-C-T. GRCh37 (hg19) VCF-style: chr7-6027129-C-T.
Other names: c.862G>A, p.Ala288Thr (NM_001322003.2, NM_001322004.2, NM_001322005.2 and 1 more transcripts); c.1111G>A, p.Ala371Thr (NM_001322006.2); c.949G>A, p.Ala317Thr (NM_001322007.2, NM_001322008.2); c.706G>A, p.Ala236Thr (NM_001322010.2); c.334G>A, p.Ala112Thr (NM_001322011.2, NM_001322012.2); c.694G>A, p.Ala232Thr (NM_001322013.2); c.1267G>A, p.Ala423Thr (NM_001322014.2); c.958G>A, p.Ala320Thr (NM_001322015.2); short protein forms A423T, A232T, A236T, A371T, A112T, A317T, A320T, A288T.
Identifiers: ClinVar variation 135068 (VCV000135068.3), dbSNP rs587778619, ClinGen allele CA009449.